The following is an entry in ClinVar:

NM_000238.4(KCNH2):c.2094G>T (p.Glu698Asp)

Gene: KCNH2 (potassium voltage-gated channel subfamily H member 2; minus strand). Cytogenetic location: 7q36.1.
Variant type: single nucleotide variant.
Coding change: c.2094G>T on transcript NM_000238.4 (MANE Select); coding-DNA position 2094, G replaced by T.
Protein change: p.Glu698Asp; replaces glutamic acid 698 with aspartic acid.
Molecular consequence: missense variant.
Genome position (GRCh38, 1-based): chr7:150,950,972, C>A on the plus strand (G>T on the coding strand, the complement: KCNH2 is on the minus strand). VCF-style: chr7-150950972-C-A. GRCh37 (hg19) VCF-style: chr7-150648060-C-A.
Other names: c.1074G>T, p.Glu358Asp (NM_001204798.2, NM_172057.3); c.1806G>T, p.Glu602Asp (NM_001406753.1, NM_001406756.1); c.1917G>T, p.Glu639Asp (NM_001406755.1); c.1794G>T, p.Glu598Asp (NM_001406757.1); c.2094G>T, p.Glu698Asp (NM_172056.3); short protein forms E358D, E698D, E602D, E639D, E598D.
Identifiers: ClinVar variation 1001384 (VCV001001384.9), dbSNP rs1801127916, ClinGen allele CA369857454.

ClinVar aggregate classification (germline): Uncertain significance (1 of 4 stars; one submission).

Conditions:
Long QT syndrome (LQTS). Identifiers: MedGen C0023976, MeSH D008133, MONDO:0002442. Disease mechanism: loss of function. Inheritance: Various modes of inheritance.

Submission:

Labcorp Genetics (formerly Invitae), Labcorp
Classification: Uncertain significance for Long QT syndrome. Last evaluated: 2020-08-27. Review status: criteria provided, single submitter. Criteria: Invitae Variant Classification Sherloc (09022015). Collection method: clinical testing. Allele origin: germline.
Comment: This sequence change replaces glutamic acid with aspartic acid at codon 698 of the KCNH2 protein (p.Glu698Asp). The glutamic acid residue is highly conserved and there is a small physicochemical difference between glutamic acid and aspartic acid. This variant is not present in population databases (ExAC no frequency). This variant has not been reported in the literature in individuals with KCNH2-related conditions. Algorithms developed to predict the effect of missense changes on protein structure and function (SIFT, PolyPhen-2, Align-GVGD) all suggest that this variant is likely to be disruptive, but these predictions have not been confirmed by published functional studies and their clinical significance is uncertain. In summary, the available evidence is currently insufficient to determine the role of this variant in disease. Therefore, it has been classified as a Variant of Uncertain Significance.